The following is an entry in ClinVar:

ClinVar aggregate classification (germline): Uncertain significance (1 of 4 stars; one submission).

Submission:

GeneDx
Classification: Uncertain significance. Last evaluated: 2025-07-21. Review status: criteria provided, single submitter. Criteria: GeneDx Variant Classification Process June 2021. Collection method: clinical testing. Allele origin: germline. Affected: yes.
Comment: Not observed at significant frequency in large population cohorts (gnomAD); In silico analysis supports that this missense variant has a deleterious effect on protein structure/function; Has not been previously published as pathogenic or benign to our knowledge

NM_002971.6(SATB1):c.649T>C (p.Ser217Pro)

Gene: SATB1 (SATB homeobox 1; minus strand). Cytogenetic location: 3p24.3.
Variant type: single nucleotide variant.
Coding change: c.649T>C on transcript NM_002971.6 (MANE Select); coding-DNA position 649, T replaced by C.
Protein change: p.Ser217Pro; replaces serine 217 with proline.
Molecular consequence: missense variant.
Genome position (GRCh38, 1-based): chr3:18,397,281, A>G on the plus strand (T>C on the coding strand, the complement: SATB1 is on the minus strand). VCF-style: chr3-18397281-A-G. GRCh37 (hg19) VCF-style: chr3-18438773-A-G.
Other names: c.649T>C, p.Ser217Pro (NM_001131010.4, NM_001195470.3, NM_001322871.2 and 4 more transcripts); c.433T>C, p.Ser145Pro (NM_001322876.2); short protein forms S145P, S217P.
Identifiers: ClinVar variation 4687018 (VCV004687018.1).